The following is an entry in ClinVar:

ClinVar aggregate classification (germline): Uncertain significance (1 of 4 stars; one submission).

gnomAD v4.1: 1 of 1,611,944 alleles (0.000062%); highest among the groups gnomAD compares: Non-Finnish European, 0.000085%; no homozygotes.

Submission:

GeneDx
Classification: Uncertain significance. Last evaluated: 2024-06-09. Review status: criteria provided, single submitter. Criteria: GeneDx Variant Classification Process June 2021. Collection method: clinical testing. Allele origin: germline. Affected: yes.
Comment: Not observed at significant frequency in large population cohorts (gnomAD); Has not been previously published as pathogenic or benign to our knowledge; In silico analysis suggests this variant may impact gene splicing. In the absence of RNA/functional studies, the actual effect of this sequence change is unknown.

NM_001205293.3(CACNA1E):c.3048G>T (p.Gly1016=)

Gene: CACNA1E (calcium voltage-gated channel subunit alpha1 E; plus strand). Cytogenetic location: 1q25.3.
Variant type: single nucleotide variant.
Coding change: c.3048G>T on transcript NM_001205293.3 (MANE Select); coding-DNA position 3048, G replaced by T.
Protein change: p.Gly1016=; no amino-acid change (glycine 1016 retained).
Molecular consequence: synonymous variant.
Genome position (GRCh38, 1-based): chr1:181,733,536, G>T. VCF-style: chr1-181733536-G-T. GRCh37 (hg19) VCF-style: chr1-181702672-G-T.
Other names: c.3048G>T, p.Gly1016= (NM_000721.4); c.2991G>T, p.Gly997= (NM_001205294.2).
Identifiers: ClinVar variation 3384610 (VCV003384610.1).